The following is an entry in ClinVar:

NM_007289.4(MME):c.1534A>C (p.Ile512Leu)

Gene: MME (membrane metalloendopeptidase; plus strand). Cytogenetic location: 3q25.2.
Variant type: single nucleotide variant.
Coding change: c.1534A>C on transcript NM_007289.4 (MANE Select); coding-DNA position 1534, A replaced by C.
Protein change: p.Ile512Leu; replaces isoleucine 512 with leucine.
Molecular consequence: missense variant.
Genome position (GRCh38, 1-based): chr3:155,148,586, A>C. VCF-style: chr3-155148586-A-C. GRCh37 (hg19) VCF-style: chr3-154866375-A-C.
Other names: c.1534A>C, p.Ile512Leu (NM_000902.5, NM_001354642.2, NM_001354643.1 and 2 more transcripts); short protein forms I512L.
Identifiers: ClinVar variation 4741322 (VCV004741322.1).

ClinVar aggregate classification (germline): Uncertain significance (1 of 4 stars; one submission).

Submission:

Labcorp Genetics (formerly Invitae), Labcorp
Classification: Uncertain significance. Last evaluated: 2025-11-18. Review status: criteria provided, single submitter. Criteria: Invitae Variant Classification Sherloc (09022015). Collection method: clinical testing. Allele origin: germline.
Comment: This sequence change replaces isoleucine, which is neutral and non-polar, with leucine, which is neutral and non-polar, at codon 512 of the MME protein (p.Ile512Leu). This variant is not present in population databases (gnomAD no frequency). This variant has not been reported in the literature in individuals affected with MME-related conditions. Invitae Evidence Modeling of protein sequence and biophysical properties (such as structural, functional, and spatial information, amino acid conservation, physicochemical variation, residue mobility, and thermodynamic stability) indicates that this missense variant is not expected to disrupt MME protein function with a negative predictive value of 80%. In summary, the available evidence is currently insufficient to determine the role of this variant in disease. Therefore, it has been classified as a Variant of Uncertain Significance.